The following is an entry in ClinVar:

ClinVar aggregate classification (germline): Likely pathogenic (1 of 4 stars; one submission).

Conditions:
Primary familial hypertrophic cardiomyopathy (HCM). Identifiers: Orphanet 99739, MedGen C0949658, MeSH D024741, MONDO:0024573. Inheritance: Various modes of inheritance.

Submission:

Women's Health and Genetics/Laboratory Corporation of America, LabCorp
Classification: Likely pathogenic for Primary familial hypertrophic cardiomyopathy. Last evaluated: 2022-01-13. Review status: criteria provided, single submitter. Criteria: LabCorp Variant Classification Summary - May 2015. Collection method: clinical testing. Allele origin: germline.
Comment: Variant summary: MYL2 c.141delC (p.Asn47LysfsX3) results in a premature termination codon, predicted to cause a truncation of the encoded protein or absence of the protein due to nonsense mediated decay, which are commonly known mechanisms for disease. Truncations downstream of this position have been associated with hypertrophic cardiomyopathy. The variant was absent in 251444 control chromosomes (gnomAD). To our knowledge, no occurrence of c.141delC in individuals affected with Hypertrophic Cardiomyopathy and no experimental evidence demonstrating its impact on protein function have been reported. No clinical diagnostic laboratories have submitted clinical-significance assessments for this variant to ClinVar after 2014. Based on the evidence outlined above, the variant was classified as likely pathogenic.

NM_000432.4(MYL2):c.141del (p.Asn47fs)

Gene: MYL2 (myosin light chain 2; minus strand). Cytogenetic location: 12q24.11.
Variant type: Deletion.
Coding change: c.141del on transcript NM_000432.4 (MANE Select); coding-DNA position 141, one base deleted (C; older notation c.141delC).
Protein change: p.Asn47fs; shifts the reading frame from asparagine 47.
Molecular consequence: frameshift variant.
Genome position (GRCh38, 1-based): chr12:110,915,743, G deleted on the plus strand (C on the coding strand, the reverse complement: MYL2 is on the minus strand). VCF-style (leftmost placement, unchanged base first): chr12-110915742-CG-C. GRCh37 (hg19) VCF-style: chr12-111353546-CG-C.
Other names: short protein forms N47fs.
Identifiers: ClinVar variation 1339691 (VCV001339691.1), dbSNP rs2136774043, ClinGen allele CA2573053601.